The following is an entry in ClinVar:

ClinVar aggregate classification (germline): Uncertain significance. Review status: criteria provided, multiple submitters, no conflicts (2 of 4 stars). 2 submissions from 2 submitters: Uncertain significance (2). Last evaluated 2026-01-25.

Conditions:
Polyglandular autoimmune syndrome, type 1 (APS1). Also called: Autoimmune polyendocrine syndrome type 1; Whitaker syndrome; Autoimmune polyendocrinopathy syndrome , type I, with or without reversible metaphyseal dysplasia; HYPOADRENOCORTICISM WITH HYPOPARATHYROIDISM AND SUPERFICIAL MONILIASIS; AUTOIMMUNE POLYENDOCRINE SYNDROME, TYPE I, WITH OR WITHOUT REVERSIBLE METAPHYSEAL DYSPLASIA; APS I. Identifiers: Orphanet 3453, MedGen C0085859, MONDO:0009411, OMIM 240300.
Inborn genetic diseases. Identifiers: MedGen C0950123, MeSH D030342.

gnomAD v4.1: 12 of 1,611,086 alleles (0.00074%); highest among the groups gnomAD compares: East Asian, 0.0022%; no homozygotes.

Submissions (2):

Labcorp Genetics (formerly Invitae), Labcorp
Classification: Uncertain significance for Polyglandular autoimmune syndrome, type 1. Last evaluated: 2026-01-25. Review status: criteria provided, single submitter. Criteria: Invitae Variant Classification Sherloc (09022015). Collection method: clinical testing. Allele origin: germline.
Comment: This sequence change replaces proline, which is neutral and non-polar, with arginine, which is basic and polar, at codon 398 of the AIRE protein (p.Pro398Arg). This variant is not present in population databases (gnomAD no frequency). This variant has not been reported in the literature in individuals affected with AIRE-related conditions. ClinVar contains an entry for this variant (Variation ID: 2216186). Invitae Evidence Modeling of protein sequence and biophysical properties (such as structural, functional, and spatial information, amino acid conservation, physicochemical variation, residue mobility, and thermodynamic stability) indicates that this missense variant is not expected to disrupt AIRE protein function with a negative predictive value of 95%. In summary, the available evidence is currently insufficient to determine the role of this variant in disease. Therefore, it has been classified as a Variant of Uncertain Significance.

Ambry Genetics
Classification: Uncertain significance for Inborn genetic diseases. Last evaluated: 2022-05-25. Review status: criteria provided, single submitter. Criteria: Ambry Variant Classification Scheme 2023. Collection method: clinical testing. Allele origin: germline.

NM_000383.4(AIRE):c.1193C>G (p.Pro398Arg)

Gene: AIRE (autoimmune regulator; plus strand). Cytogenetic location: 21q22.3.
Variant type: single nucleotide variant.
Coding change: c.1193C>G on transcript NM_000383.4 (MANE Select); coding-DNA position 1193, C replaced by G.
Protein change: p.Pro398Arg; replaces proline 398 with arginine.
Molecular consequence: missense variant.
Genome position (GRCh38, 1-based): chr21:44,293,090, C>G. VCF-style: chr21-44293090-C-G. GRCh37 (hg19) VCF-style: chr21-45712973-C-G.
Other names: short protein forms P398R.
Identifiers: ClinVar variation 2216186 (VCV002216186.3), dbSNP rs754391375, ClinGen allele CA410425437.